The following is an entry in ClinVar:

NM_001291303.3(FAT4):c.1258A>G (p.Ile420Val)

Gene: FAT4 (FAT atypical cadherin 4; plus strand). Cytogenetic location: 4q28.1.
Variant type: single nucleotide variant.
Coding change: c.1258A>G on transcript NM_001291303.3 (MANE Select); coding-DNA position 1258, A replaced by G.
Protein change: p.Ile420Val; replaces isoleucine 420 with valine.
Molecular consequence: missense variant.
Genome position (GRCh38, 1-based): chr4:125,317,669, A>G. VCF-style: chr4-125317669-A-G. GRCh37 (hg19) VCF-style: chr4-126238824-A-G.
Other names: c.1258A>G, p.Ile420Val (NM_001291285.3, NM_024582.6); c.1258A>G (NM_024582.4); short protein forms I420V.
Identifiers: ClinVar variation 1407521 (VCV001407521.7), dbSNP rs2125939948, ClinGen allele CA358117530.
Genomic context (GRCh38, chr4:125,317,669, plus strand): 5'-GGGGGCAATGAGCAGCGCCACTTTGAAGTGCAAAGCAGCAAAGTGCCGAACCTGAGCCTA[A>G]TCAAGGTGGCCAGCGCCTTGGACCGCGAGCGCATCCCTTCCTACAACCTCACAGTTTCCG-3'
Protein context (NP_001278232.1, residues 410-430): QSSKVPNLSL[Ile420Val]KVASALDRER

ClinVar aggregate classification (germline): Uncertain significance. Review status: criteria provided, multiple submitters, no conflicts (2 of 4 stars). 2 submissions from 2 submitters: Uncertain significance (2). Last evaluated 2024-10-16.

Conditions:
Inborn genetic diseases. Identifiers: MedGen C0950123, MeSH D030342.

Allele frequency attached by ClinVar (database versions not stated): gnomAD exomes below 0.00001.
gnomAD v4.1: 1 of 1,614,034 alleles (0.000062%); highest among the groups gnomAD compares: Non-Finnish European, 0.000085%; no homozygotes.

Submissions (2):

Ambry Genetics
Classification: Uncertain significance for Inborn genetic diseases. Last evaluated: 2024-10-16. Review status: criteria provided, single submitter. Criteria: Ambry Variant Classification Scheme 2023. Collection method: clinical testing. Allele origin: germline.

Labcorp Genetics (formerly Invitae), Labcorp
Classification: Uncertain significance. Last evaluated: 2021-10-02. Review status: criteria provided, single submitter. Criteria: Invitae Variant Classification Sherloc (09022015). Collection method: clinical testing. Allele origin: germline.
Comment: This variant is not present in population databases (ExAC no frequency). This sequence change replaces isoleucine with valine at codon 420 of the FAT4 protein (p.Ile420Val). The isoleucine residue is highly conserved and there is a small physicochemical difference between isoleucine and valine. This variant has not been reported in the literature in individuals affected with FAT4-related conditions. In summary, the available evidence is currently insufficient to determine the role of this variant in disease. Therefore, it has been classified as a Variant of Uncertain Significance. Advanced modeling of protein sequence and biophysical properties (such as structural, functional, and spatial information, amino acid conservation, physicochemical variation, residue mobility, and thermodynamic stability) performed at Invitae indicates that this missense variant is not expected to disrupt FAT4 protein function.